The following is an entry in ClinVar:

NM_000128.4(F11):c.801A>G (p.Thr267=)

Gene: F11 (coagulation factor XI; plus strand). Cytogenetic location: 4q35.2.
Variant type: single nucleotide variant.
Coding change: c.801A>G on transcript NM_000128.4 (MANE Select); coding-DNA position 801, A replaced by G.
Protein change: p.Thr267=; no amino-acid change (threonine 267 retained).
Molecular consequence: synonymous variant.
Genome position (GRCh38, 1-based): chr4:186,280,057, A>G. VCF-style: chr4-186280057-A-G. GRCh37 (hg19) VCF-style: chr4-187201211-A-G.
Other names: p.Thr267=.
Identifiers: ClinVar variation 255181 (VCV000255181.23), dbSNP rs5974, ClinGen allele CA3163784.

ClinVar aggregate classification (germline): Benign/Likely benign. Review status: criteria provided, multiple submitters, no conflicts (2 of 4 stars). 10 submissions from 10 submitters: Benign (8); Likely benign (1). 1 of the submissions does not count toward it. Last evaluated 2026-05-04.

Conditions:
Plasma factor XI deficiency.
Hereditary factor XI deficiency disease. Also called: Congenital factor XI deficiency; PLASMA THROMBOPLASTIN ANTECEDENT DEFICIENCY; PTA DEFICIENCY; ROSENTHAL SYNDROME. Identifiers: Orphanet 329, MedGen C0015523, MeSH D005173, MONDO:0012897, OMIM 612416.

Allele frequency attached by ClinVar (database versions not stated): gnomAD exomes 0.14612; ExAC 0.15127; TOPMed 0.15696; gnomAD 0.16101 and 0.16187; ESP Exome Variant Server 0.16631; 1000 Genomes Project 0.16713; 1000 Genomes Project 30x 0.17021.
gnomAD v4.1: 234,202 of 1,613,478 alleles (15%); highest among the groups gnomAD compares: African/African-American, 21%; 18,011 homozygotes.

Submissions (10):

Women's Health and Genetics/Laboratory Corporation of America, LabCorp
Classification: Benign. Last evaluated: 2026-05-04. Review status: criteria provided, single submitter. Criteria: LabCorp Variant Classification Summary - May 2015. Collection method: clinical testing. Allele origin: germline.

Labcorp Genetics (formerly Invitae), Labcorp
Classification: Benign. Last evaluated: 2026-02-04. Review status: criteria provided, single submitter. Criteria: Invitae Variant Classification Sherloc (09022015). Collection method: clinical testing. Allele origin: germline.

Blueprint Genetics
Classification: Likely benign. Last evaluated: 2024-11-26. Review status: criteria provided, single submitter. Criteria: ACMG Guidelines, 2015. Collection method: clinical testing. Allele origin: germline.

Mayo Clinic Laboratories, Mayo Clinic
Classification: Benign. Last evaluated: 2022-05-26. Review status: criteria provided, single submitter. Criteria: ACMG Guidelines, 2015. Collection method: clinical testing. Allele origin: germline. Observed: 59 variant alleles.
Comment: BA1, BS1, BS2, BP7

Genome-Nilou Lab
Classification: Benign for Hereditary factor XI deficiency disease. Last evaluated: 2021-07-10. Review status: criteria provided, single submitter. Criteria: ACMG Guidelines, 2015. Collection method: clinical testing. Allele origin: germline. Affected: no.

GeneDx
Classification: Benign. Last evaluated: 2018-11-11. Review status: criteria provided, single submitter. Criteria: GeneDx Variant Classification Process June 2021. Collection method: clinical testing. Allele origin: germline. Affected: yes.

Illumina Laboratory Services, Illumina
Classification: Benign for Hereditary factor XI deficiency disease. Last evaluated: 2018-01-13. Review status: criteria provided, single submitter. Criteria: ICSL Variant Classification Criteria 13 December 2019. Collection method: clinical testing. Allele origin: germline.
Comment: This variant was observed in the ICSL laboratory as part of a predisposition screen in an ostensibly healthy population. It had not been previously curated by ICSL or reported in the Human Gene Mutation Database (HGMD: prior to June 1st, 2018), and was therefore a candidate for classification through an automated scoring system. Utilizing variant allele frequency, disease prevalence and penetrance estimates, and inheritance mode, an automated score was calculated to assess if this variant is too frequent to cause the disease. Based on the score and internal cut-off values, a variant classified as benign is not then subjected to further curation. The score for this variant resulted in a classification of benign for this disease.

Breakthrough Genomics
Classification: Benign. Review status: criteria provided, single submitter. Criteria: ACMG Guidelines, 2015. Collection method: not provided. Allele origin: germline. Inheritance: Unknown mechanism. Affected: yes.

PreventionGenetics, part of Exact Sciences
Classification: Benign. Review status: criteria provided, single submitter. Criteria: ACMG Guidelines, 2015. Collection method: clinical testing. Allele origin: germline.

Natera, Inc.
Classification: Benign for Plasma factor XI deficiency. Last evaluated: 2019-11-20. Review status: no assertion criteria provided. Collection method: clinical testing. Allele origin: germline. Not counted in ClinVar's aggregate classification.